The following is an entry in ClinVar:

ClinVar aggregate classification (germline): Pathogenic (1 of 4 stars; one submission).

Conditions:
Retinoblastoma (RB1). Also called: RETINOBLASTOMA, SOMATIC. Identifiers: Orphanet 790, MedGen C0035335, MeSH D012175, MONDO:0008380, OMIM 180200, HP:0009919. Disease mechanism: loss of function. Inheritance: Both sporadic and heritable forms are tested..

Submission:

St. Jude Molecular Pathology, St. Jude Children's Research Hospital
Classification: Pathogenic for Retinoblastoma. Last evaluated: 2024-02-06. Review status: criteria provided, single submitter. Criteria: St. Jude Assertion Criteria 2020. Collection method: clinical testing. Allele origin: germline. Affected: yes.
Comment: The RB1 c.1472_1473del (p.Leu491ArgfsTer8) variant deletes two nucleotides in exon 16 of the RB1 gene to cause a frameshift of the protein coding sequence and the creation of a premature stop codon after 8 new amino acids. This change is predicted to cause protein truncation or absence of protein due to nonsense-mediated decay. This variant is also absent in gnomAD v2.1.1. In summary, this variant meets criteria to be classified as pathogenic.

NM_000321.3(RB1):c.1472_1473del (p.Leu491fs)

Gene: RB1 (RB transcriptional corepressor 1; plus strand). Cytogenetic location: 13q14.2.
Variant type: Deletion.
Coding change: c.1472_1473del on transcript NM_000321.3 (MANE Select); coding-DNA positions 1472 to 1473, 2 bases deleted (TT; older notation c.1472_1473delTT).
Protein change: p.Leu491fs; shifts the reading frame from leucine 491.
Molecular consequence: frameshift variant.
Genome position (GRCh38, 1-based): chr13:48,380,215-48,380,216, TT deleted. VCF-style (leftmost placement, unchanged base first): chr13-48380214-CTT-C. GRCh37 (hg19) VCF-style: chr13-48954350-CTT-C.
Other names: c.1472_1473delTT, p.Leu491Argfs (NM_000321.2); c.1472_1473del, p.Leu491fs (NM_001407165.1, NM_001407166.1); short protein forms L491fs.
Identifiers: ClinVar variation 3377795 (VCV003377795.1).
Genomic context (GRCh38, chr13:48,380,214, plus strand): 5'-TTTTCCTTTAGCAAACTTCTGAATGACAACATTTTTCATATGTCTTTATTGGCGTGCGCT[CTT>C]GAGGTTGTAATGGCCACATATAGCAGTAAGTTAAATTTTCATAAATAAACACTTTTGTTC-3'